The following is an entry in ClinVar:

ClinVar aggregate classification (germline): Uncertain significance. Review status: criteria provided, multiple submitters, no conflicts (2 of 4 stars). 3 submissions from 3 submitters: Uncertain significance (3). Last evaluated 2024-09-06.

Conditions:
Cardiovascular phenotype. Identifiers: MedGen CN230736.
Arrhythmogenic right ventricular dysplasia 5. Also called: Arrhythmogenic Right Ventricular Dysplasia/Cardiomyopathy 5; ARRHYTHMOGENIC RIGHT VENTRICULAR DYSPLASIA, FAMILIAL, 5. Identifiers: MedGen C1858379, MONDO:0011459, OMIM 604400.

Submissions (3):

Labcorp Genetics (formerly Invitae), Labcorp
Classification: Uncertain significance for Arrhythmogenic right ventricular dysplasia 5. Last evaluated: 2024-09-06. Review status: criteria provided, single submitter. Criteria: Invitae Variant Classification Sherloc (09022015). Collection method: clinical testing. Allele origin: germline.
Comment: This sequence change replaces serine, which is neutral and polar, with glycine, which is neutral and non-polar, at codon 7 of the TMEM43 protein (p.Ser7Gly). This variant is not present in population databases (gnomAD no frequency). This variant has not been reported in the literature in individuals affected with TMEM43-related conditions. ClinVar contains an entry for this variant (Variation ID: 1784148). An algorithm developed to predict the effect of missense changes on protein structure and function outputs the following: PolyPhen-2: "Benign". The glycine amino acid residue is found in multiple mammalian species, which suggests that this missense change does not adversely affect protein function. In summary, the available evidence is currently insufficient to determine the role of this variant in disease. Therefore, it has been classified as a Variant of Uncertain Significance.

All of Us Research Program, National Institutes of Health
Classification: Uncertain significance for Arrhythmogenic right ventricular dysplasia 5. Last evaluated: 2023-12-01. Review status: criteria provided, single submitter. Criteria: ACMG Guidelines, 2015. Collection method: clinical testing. Allele origin: germline. Inheritance: Autosomal dominant inheritance. Observed: 3 variant alleles, 3 heterozygotes.
Comment: This missense variant replaces serine with glycine at codon 7 of the TMEM43 protein. Computational prediction suggests that this variant may not impact protein structure and function (internally defined REVEL score threshold <= 0.5, PMID: 27666373). To our knowledge, functional studies have not been reported for this variant. This variant has not been reported in individuals affected with TMEM43-related disorders in the literature. This variant has not been identified in the general population by the Genome Aggregation Database (gnomAD). The available evidence is insufficient to determine the role of this variant in disease conclusively. Therefore, this variant is classified as a Variant of Uncertain Significance.

This study involves interpretation of variants in research participants for the purpose of population health screening. Participant phenotype was not available at the time of variant classification. Additional details can be found in publication PMID: 35346344, PMCID: PMC8962531

Ambry Genetics
Classification: Uncertain significance for Cardiovascular phenotype. Last evaluated: 2022-06-22. Review status: criteria provided, single submitter. Criteria: Ambry Variant Classification Scheme 2023. Collection method: clinical testing. Allele origin: germline.
Comment: The p.S7G variant (also known as c.19A>G), located in coding exon 2 of the TMEM43 gene, results from an A to G substitution at nucleotide position 19. The serine at codon 7 is replaced by glycine, an amino acid with similar properties. This amino acid position is conserved. In addition, this alteration is predicted to be tolerated by in silico analysis. Since supporting evidence is limited at this time, the clinical significance of this alteration remains unclear.

NM_024334.3(TMEM43):c.19A>G (p.Ser7Gly)

Gene: TMEM43 (transmembrane protein 43; plus strand). Cytogenetic location: 3p25.1.
Variant type: single nucleotide variant.
Coding change: c.19A>G on transcript NM_024334.3 (MANE Select); coding-DNA position 19, A replaced by G.
Protein change: p.Ser7Gly; replaces serine 7 with glycine.
Molecular consequence: missense variant.
Genome position (GRCh38, 1-based): chr3:14,129,418, A>G. VCF-style: chr3-14129418-A-G. GRCh37 (hg19) VCF-style: chr3-14170918-A-G.
Other names: c.19A>G, p.Ser7Gly (NM_001407274.1, NM_001407275.1, NM_001407276.1 and 3 more transcripts); short protein forms S7G.
Identifiers: ClinVar variation 1784148 (VCV001784148.5), dbSNP rs2470176195, ClinGen allele CA351534168.